The following is an entry in ClinVar:

NM_024422.6(DSC2):c.317A>G (p.Lys106Arg)

Gene: DSC2 (desmocollin 2; minus strand). Cytogenetic location: 18q12.1.
Variant type: single nucleotide variant.
Coding change: c.317A>G on transcript NM_024422.6 (MANE Select); coding-DNA position 317, A replaced by G.
Protein change: p.Lys106Arg; replaces lysine 106 with arginine.
Molecular consequence: missense variant. On other transcripts: 5 prime UTR variant (2).
Genome position (GRCh38, 1-based): chr18:31,092,138, T>C on the plus strand (A>G on the coding strand, the complement: DSC2 is on the minus strand). VCF-style: chr18-31092138-T-C. GRCh37 (hg19) VCF-style: chr18-28672101-T-C.
Other names: c.-113A>G (NM_001406506.1, NM_001406507.1); c.317A>G, p.Lys106Arg (NM_004949.5); short protein forms K106R.
Identifiers: ClinVar variation 3842520 (VCV003842520.2).

ClinVar aggregate classification (germline): Uncertain significance. Review status: criteria provided, multiple submitters, no conflicts (2 of 4 stars). 2 submissions from 2 submitters: Uncertain significance (2). Last evaluated 2025-08-15.

Conditions:
Cardiomyopathy (CMYO). Also called: Cardiomyopathies. Identifiers: Orphanet 167848, MedGen C0878544, MONDO:0004994, HP:0001638. Inheritance: Various modes of inheritance.
Cardiovascular phenotype. Identifiers: MedGen CN230736.

Submissions (2):

Color Diagnostics, LLC DBA Color Health
Classification: Uncertain significance for Cardiomyopathy. Last evaluated: 2025-08-15. Review status: criteria provided, single submitter. Criteria: ACMG Guidelines, 2015. Collection method: clinical testing. Allele origin: germline.
Comment: This missense variant replaces lysine with arginine at codon 106 of the DSC2 protein. Computational prediction suggests that this variant may not impact protein structure and function. To our knowledge, functional studies have not been reported for this variant. This variant has not been reported in individuals affected with DSC2-related disorders in the literature. This variant has not been identified in the general population by the Genome Aggregation Database (gnomAD). The available evidence is insufficient to determine the role of this variant in disease conclusively. Therefore, this variant is classified as a Variant of Uncertain Significance.

Ambry Genetics
Classification: Uncertain significance for Cardiovascular phenotype. Last evaluated: 2025-02-01. Review status: criteria provided, single submitter. Criteria: Ambry Variant Classification Scheme 2023. Collection method: clinical testing. Allele origin: germline.
Comment: The p.K106R variant (also known as c.317A>G), located in coding exon 3 of the DSC2 gene, results from an A to G substitution at nucleotide position 317. The lysine at codon 106 is replaced by arginine, an amino acid with highly similar properties. This amino acid position is conserved. In addition, this alteration is predicted to be tolerated by in silico analysis. Based on the available evidence, the clinical significance of this variant remains unclear.